The following is an entry in ClinVar:

NM_000492.4(CFTR):c.2904A>C (p.Lys968Asn)

Gene: CFTR (CF transmembrane conductance regulator; plus strand). Cytogenetic location: 7q31.2.
Variant type: single nucleotide variant.
Coding change: c.2904A>C on transcript NM_000492.4 (MANE Select); coding-DNA position 2904, A replaced by C.
Protein change: p.Lys968Asn; replaces lysine 968 with asparagine.
Molecular consequence: missense variant.
Genome position (GRCh38, 1-based): chr7:117,603,778, A>C. VCF-style: chr7-117603778-A-C. GRCh37 (hg19) VCF-style: chr7-117243832-A-C.
Other names: short protein forms K968N.
Identifiers: ClinVar variation 3231873 (VCV003231873.1), dbSNP rs2485122508, ClinGen allele CA368987650.

ClinVar aggregate classification (germline): Uncertain significance (1 of 4 stars; one submission).

Conditions:
Cystic fibrosis (CF). Also called: MUCOVISCIDOSIS. Identifiers: Orphanet 586, MedGen C0010674, MONDO:0009061, OMIM 219700. Disease mechanism: loss of function.

Submission:

Ambry Genetics
Classification: Uncertain significance for Cystic fibrosis. Last evaluated: 2024-02-18. Review status: criteria provided, single submitter. Criteria: Ambry Variant Classification Scheme 2023. Collection method: clinical testing. Allele origin: germline.
Comment: The p.K968N variant (also known as c.2904A>C), located in coding exon 17 of the CFTR gene, results from an A to C substitution at nucleotide position 2904. The lysine at codon 968 is replaced by asparagine, an amino acid with similar properties. This amino acid position is conserved. In addition, the in silico prediction for this alteration is inconclusive. Based on the available evidence, the clinical significance of this alteration remains unclear.